The following is an entry in ClinVar:

ClinVar aggregate classification (germline): Uncertain significance (1 of 4 stars; one submission).

Conditions:
Beckwith-Wiedemann syndrome (BWS). Also called: EMG SYNDROME; Exomphalos macroglossia gigantism syndrome. Identifiers: Orphanet 116, MedGen C0004903, MONDO:0007534, OMIM 130650.

Submission:

Labcorp Genetics (formerly Invitae), Labcorp
Classification: Uncertain significance for Beckwith-Wiedemann syndrome. Last evaluated: 2021-02-18. Review status: criteria provided, single submitter. Criteria: Invitae Variant Classification Sherloc (09022015). Collection method: clinical testing. Allele origin: germline.
Comment: In summary, the available evidence is currently insufficient to determine the role of this variant in disease. Therefore, it has been classified as a Variant of Uncertain Significance. This variant disrupts the p.Leu42 amino acid residue in CDKN1C. Other variant(s) that disrupt this residue have been determined to be pathogenic (PMID: 11414765, 26077438, Invitae). This suggests that this residue is clinically significant, and that variants that disrupt this residue are likely to be disease-causing. Algorithms developed to predict the effect of missense changes on protein structure and function are either unavailable or do not agree on the potential impact of this missense change (SIFT: "Deleterious"; PolyPhen-2: "Probably Damaging"; Align-GVGD: "Class C0"). This variant has not been reported in the literature in individuals with CDKN1C-related conditions. This sequence change replaces leucine with methionine at codon 42 of the CDKN1C protein (p.Leu42Met). The leucine residue is highly conserved and there is a small physicochemical difference between leucine and methionine. This variant is not present in population databases (ExAC no frequency).

Literature cited by the submitters: PubMed 11414765; PubMed 26077438.

NM_001122630.2(CDKN1C):c.91C>A (p.Leu31Met)

Gene: CDKN1C (cyclin dependent kinase inhibitor 1C; minus strand). Cytogenetic location: 11p15.4.
Variant type: single nucleotide variant.
Coding change: c.91C>A on transcript NM_001122630.2 (MANE Select); coding-DNA position 91, C replaced by A.
Protein change: p.Leu31Met; replaces leucine 31 with methionine.
Molecular consequence: missense variant.
Genome position (GRCh38, 1-based): chr11:2,885,366, G>T on the plus strand (C>A on the coding strand, the complement: CDKN1C is on the minus strand). VCF-style: chr11-2885366-G-T. GRCh37 (hg19) VCF-style: chr11-2906596-G-T.
Other names: c.124C>A, p.Leu42Met (NM_000076.2, NM_001362474.2); c.91C>A, p.Leu31Met (NM_001122631.2, NM_001362475.2); short protein forms L42M, L31M.
Identifiers: ClinVar variation 1373873 (VCV001373873.8), dbSNP rs2133786240, ClinGen allele CA379147685.